The following is an entry in ClinVar:

ClinVar aggregate classification (germline): Uncertain significance (1 of 4 stars; one submission).

Conditions:
Immunodeficiency 67. Also called: Immunodeficiency due to interleukin-1 receptor-associated kinase-4 deficiency. Identifiers: Orphanet 70592, MedGen C1843256, MONDO:0011888, OMIM 607676.

Allele frequency attached by ClinVar (database versions not stated): ExAC 0.00001; gnomAD 0.00001; TOPMed 0.00001; gnomAD exomes 0.00002.

Submission:

Labcorp Genetics (formerly Invitae), Labcorp
Classification: Uncertain significance for Immunodeficiency 67. Last evaluated: 2021-08-24. Review status: criteria provided, single submitter. Criteria: Invitae Variant Classification Sherloc (09022015). Collection method: clinical testing. Allele origin: germline.
Comment: This sequence change replaces arginine with tryptophan at codon 334 of the IRAK4 protein (p.Arg334Trp). The arginine residue is highly conserved and there is a moderate physicochemical difference between arginine and tryptophan. This variant is present in population databases (rs774525787, ExAC 0.002%). This variant has not been reported in the literature in individuals affected with IRAK4-related conditions. Advanced modeling of protein sequence and biophysical properties (such as structural, functional, and spatial information, amino acid conservation, physicochemical variation, residue mobility, and thermodynamic stability) performed at Invitae indicates that this missense variant is expected to disrupt IRAK4 protein function. In summary, the available evidence is currently insufficient to determine the role of this variant in disease. Therefore, it has been classified as a Variant of Uncertain Significance.

NM_016123.4(IRAK4):c.1000C>T (p.Arg334Trp)

Gene: IRAK4 (interleukin 1 receptor associated kinase 4; plus strand). Cytogenetic location: 12q12.
Variant type: single nucleotide variant.
Coding change: c.1000C>T on transcript NM_016123.4 (MANE Select); coding-DNA position 1000, C replaced by T.
Protein change: p.Arg334Trp; replaces arginine 334 with tryptophan.
Molecular consequence: missense variant.
Genome position (GRCh38, 1-based): chr12:43,782,365, C>T. VCF-style: chr12-43782365-C-T. GRCh37 (hg19) VCF-style: chr12-44176168-C-T.
Other names: c.1000C>T, p.Arg334Trp (NM_001114182.3, NM_001351345.2); c.628C>T, p.Arg210Trp (NM_001145256.2, NM_001145257.2, NM_001145258.2 and 5 more transcripts); c.391C>T, p.Arg131Trp (NM_001351343.2, NM_001351344.2); short protein forms R131W, R210W, R334W.
Identifiers: ClinVar variation 1496816 (VCV001496816.5), dbSNP rs774525787, ClinGen allele CA6522561.